The following is an entry in ClinVar:

NM_005097.4(LGI1):c.371ACA[2] (p.Asn126del)

Gene: LGI1 (leucine rich glioma inactivated 1; plus strand). Cytogenetic location: 10q23.33.
Variant type: Microsatellite.
Coding change: c.371ACA[2] on transcript NM_005097.4 (MANE Select); two copies in a row of the 3-base unit ACA starting at c.371; the reference has three copies in a row; one copy, 3 bases deleted.
Protein change: p.Asn126del; deletes asparagine 126.
Molecular consequence: intron variant (on NM_001308276.2).
Genome position (GRCh38, 1-based): chr10:93,777,563-93,777,565, ACA deleted; deleting any 3 consecutive bases within chr10:93,777,556-93,777,565 gives the same sequence; the position shown is the placement nearest the transcript's 3' end. VCF-style (leftmost placement, unchanged base first): chr10-93777555-AAAC-A. GRCh37 (hg19) VCF-style: chr10-95537312-AAAC-A.
Other names: c.371ACA[2], p.Asn126del (NM_001308275.2); c.288-12543AAC[2] (NM_001308276.2); short protein forms N126del.
Identifiers: ClinVar variation 3720958 (VCV003720958.2).

ClinVar aggregate classification (germline): Uncertain significance (1 of 4 stars; one submission).

Conditions:
Autosomal dominant epilepsy with auditory features. Identifiers: Orphanet 101046, MedGen C1838062, MONDO:0010898.

Submission:

Labcorp Genetics (formerly Invitae), Labcorp
Classification: Uncertain significance for Autosomal dominant epilepsy with auditory features. Last evaluated: 2024-12-10. Review status: criteria provided, single submitter. Criteria: Invitae Variant Classification Sherloc (09022015). Collection method: clinical testing. Allele origin: germline.
Comment: This variant, c.377_379del, results in the deletion of 1 amino acid(s) of the LGI1 protein (p.Asn126del), but otherwise preserves the integrity of the reading frame. This variant is present in population databases (no rsID available, gnomAD 0.007%). This variant has been observed in individual(s) with autosomal dominant lateral temporal lobe epilepsy (PMID: 19268539). It has also been observed to segregate with disease in related individuals. Algorithms developed to predict the effect of variants on gene product structure and function are not available or were not evaluated for this variant. Experimental studies have shown that this variant affects LGI1 function (PMID: 19268539). In summary, the available evidence is currently insufficient to determine the role of this variant in disease. Therefore, it has been classified as a Variant of Uncertain Significance.

Literature cited by the submitters: PubMed 19268539.